The following is an entry in ClinVar:

ClinVar aggregate classification (germline): Uncertain significance (1 of 4 stars; one submission).

gnomAD v4.1: 23 of 1,599,668 alleles (0.0014%); highest among the groups gnomAD compares: African/African-American, 0.019%; no homozygotes.

Submission:

GeneDx
Classification: Uncertain significance. Last evaluated: 2024-10-01. Review status: criteria provided, single submitter. Criteria: GeneDx Variant Classification Process June 2021. Collection method: clinical testing. Allele origin: germline. Affected: yes.
Comment: In silico analysis supports that this missense variant has a deleterious effect on protein structure/function; Has not been previously published as pathogenic or benign to our knowledge

NM_178138.6(LHX3):c.1093G>A (p.Gly365Arg)

Gene: LHX3 (LIM homeobox 3; minus strand). Cytogenetic location: 9q34.3.
Variant type: single nucleotide variant.
Coding change: c.1093G>A on transcript NM_178138.6 (MANE Select); coding-DNA position 1093, G replaced by A.
Protein change: p.Gly365Arg; replaces glycine 365 with arginine.
Molecular consequence: missense variant.
Genome position (GRCh38, 1-based): chr9:136,197,426, C>T on the plus strand (G>A on the coding strand, the complement: LHX3 is on the minus strand). VCF-style: chr9-136197426-C-T. GRCh37 (hg19) VCF-style: chr9-139089272-C-T.
Other names: c.1060G>A, p.Gly354Arg (NM_001363746.1); c.1108G>A, p.Gly370Arg (NM_014564.5); short protein forms G354R, G365R, G370R.
Identifiers: ClinVar variation 3776515 (VCV003776515.1).
Genomic context (GRCh38, chr9:136,197,426, plus strand): 5'-GGCTGGCAGGGAAGTCGGGGTAACCCCCGCTGCTCCCCGTGGATAGGTCAGAACTGGGTC[C>T]GTTCCCTGCCAGCACCCTCATGGGTGGGGGCCCGCCGGGGGCTCCCGAGGGCACAAGGCC-3'
Protein context (NP_835258.1, residues 355-375): PPPMRVLAGN[Gly365Arg]PSSDLSTGSS